The following is an entry in ClinVar:

NM_000094.4(COL7A1):c.520+4A>G

Gene: COL7A1 (collagen type VII alpha 1 chain; minus strand). Cytogenetic location: 3p21.31.
Variant type: single nucleotide variant.
Coding change: c.520+4A>G on transcript NM_000094.4 (MANE Select); 4 bases into the intron after coding-DNA position 520, A replaced by G.
Molecular consequence: intron variant.
Genome position (GRCh38, 1-based): chr3:48,593,352, T>C on the plus strand (A>G on the coding strand, the complement: COL7A1 is on the minus strand). VCF-style: chr3-48593352-T-C. GRCh37 (hg19) VCF-style: chr3-48630785-T-C.
Identifiers: ClinVar variation 1480298 (VCV001480298.6), dbSNP rs997937705, ClinGen allele CA2573137048.

ClinVar aggregate classification (germline): Uncertain significance (1 of 4 stars; one submission).

Submission:

Labcorp Genetics (formerly Invitae), Labcorp
Classification: Uncertain significance. Last evaluated: 2024-02-26. Review status: criteria provided, single submitter. Criteria: Invitae Variant Classification Sherloc (09022015). Collection method: clinical testing. Allele origin: germline.
Comment: This sequence change falls in intron 4 of the COL7A1 gene. It does not directly change the encoded amino acid sequence of the COL7A1 protein. It affects a nucleotide within the consensus splice site. This variant is not present in population databases (gnomAD no frequency). This variant has not been reported in the literature in individuals affected with COL7A1-related conditions. ClinVar contains an entry for this variant (Variation ID: 1480298). Variants that disrupt the consensus splice site are a relatively common cause of aberrant splicing (PMID: 17576681, 9536098). Algorithms developed to predict the effect of sequence changes on RNA splicing suggest that this variant may disrupt the consensus splice site. In summary, the available evidence is currently insufficient to determine the role of this variant in disease. Therefore, it has been classified as a Variant of Uncertain Significance.

Literature cited by the submitters: PubMed 17576681; PubMed 9536098.